The following is an entry in ClinVar:

NM_001375524.1(TRRAP):c.11491G>A (p.Ala3831Thr)

Gene: TRRAP (transformation/transcription domain associated protein; plus strand). Cytogenetic location: 7q22.1.
Variant type: single nucleotide variant.
Coding change: c.11491G>A on transcript NM_001375524.1 (MANE Select); coding-DNA position 11491, G replaced by A.
Protein change: p.Ala3831Thr; replaces alanine 3831 with threonine.
Molecular consequence: missense variant.
Genome position (GRCh38, 1-based): chr7:99,012,224, G>A. VCF-style: chr7-99012224-G-A. GRCh37 (hg19) VCF-style: chr7-98609847-G-A.
Other names: c.11449G>A, p.Ala3817Thr (NM_001244580.2); c.11362G>A, p.Ala3788Thr (NM_003496.4); short protein forms A3788T, A3817T, A3831T.
Identifiers: ClinVar variation 2627884 (VCV002627884.3), dbSNP rs112253894, ClinGen allele CA163093719.
Genomic context (GRCh38, chr7:99,012,224, plus strand): 5'-GGGCAGCCAGAGAACATGGACAGCCAGCAACTGGTGTCCCTGGTTCAGAAAGCCGTCACC[G>A]CCATCATGACCCGCCTGCACAACCTCGCCCAGTTCGAAGGCGGGGAAAGCAAGGTGAACA-3'
Protein context (NP_001362453.1, residues 3821-3841): LVSLVQKAVT[Ala3831Thr]IMTRLHNLAQ

ClinVar aggregate classification (germline): Uncertain significance. Review status: criteria provided, multiple submitters, no conflicts (2 of 4 stars). 3 submissions from 3 submitters: Uncertain significance (3). Last evaluated 2025-11-15.

Conditions:
Neurodevelopmental disorder. Identifiers: MedGen C1535926, MeSH D065886, MONDO:0700092.

Allele frequency attached by ClinVar (database versions not stated): gnomAD exomes below 0.00001; TOPMed below 0.00001.
gnomAD v4.1: 4 of 1,614,074 alleles (0.00025%); highest among the groups gnomAD compares: Non-Finnish European, 0.00025%; no homozygotes.

Submissions (3):

Labcorp Genetics (formerly Invitae), Labcorp
Classification: Uncertain significance. Last evaluated: 2025-11-15. Review status: criteria provided, single submitter. Criteria: Invitae Variant Classification Sherloc (09022015). Collection method: clinical testing. Allele origin: germline.
Comment: This sequence change replaces alanine, which is neutral and non-polar, with threonine, which is neutral and polar, at codon 3788 of the TRRAP protein (p.Ala3788Thr). This variant is not present in population databases (gnomAD no frequency). This variant has not been reported in the literature in individuals affected with TRRAP-related conditions. ClinVar contains an entry for this variant (Variation ID: 2627884). Invitae Evidence Modeling of protein sequence and biophysical properties (such as structural, functional, and spatial information, amino acid conservation, physicochemical variation, residue mobility, and thermodynamic stability) indicates that this missense variant is not expected to disrupt TRRAP protein function with a negative predictive value of 80%. In summary, the available evidence is currently insufficient to determine the role of this variant in disease. Therefore, it has been classified as a Variant of Uncertain Significance.

Blueprint Genetics
Classification: Uncertain significance. Last evaluated: 2023-12-13. Review status: criteria provided, single submitter. Criteria: ACMG Guidelines, 2015. Collection method: clinical testing. Allele origin: germline.

Laboratory of Molecular Genetics (Pr. Bezieau's lab), CHU de Nantes
Classification: Uncertain significance for Neurodevelopmental disorder. Last evaluated: 2023-05-12. Review status: criteria provided, single submitter. Criteria: ACMG Guidelines, 2015. Collection method: clinical testing. Allele origin: germline. Affected: yes.